The following is an entry in ClinVar:

NM_006231.4(POLE):c.6258G>A (p.Met2086Ile)

Gene: POLE (DNA polymerase epsilon, catalytic subunit; minus strand). Cytogenetic location: 12q24.33.
Variant type: single nucleotide variant.
Coding change: c.6258G>A on transcript NM_006231.4 (MANE Select); coding-DNA position 6258, G replaced by A.
Protein change: p.Met2086Ile; replaces methionine 2086 with isoleucine.
Molecular consequence: missense variant.
Genome position (GRCh38, 1-based): chr12:132,632,387, C>T on the plus strand (G>A on the coding strand, the complement: POLE is on the minus strand). VCF-style: chr12-132632387-C-T. GRCh37 (hg19) VCF-style: chr12-133208973-C-T.
Other names: c.6258G>A (NM_006231.2); short protein forms M2086I.
Identifiers: ClinVar variation 576443 (VCV000576443.11), dbSNP rs1565926679, ClinGen allele CA387369507.

ClinVar aggregate classification (germline): Conflicting classifications of pathogenicity. Review status: criteria provided, conflicting classifications (1 of 4 stars). 3 submissions from 3 submitters: Uncertain significance (2); Likely benign (1). Last evaluated 2025-11-25.

Conditions:
Hereditary cancer-predisposing syndrome. Also called: Tumor predisposition; Hereditary neoplastic syndrome; Hereditary Cancer Syndrome; Neoplastic Syndromes, Hereditary. Identifiers: Orphanet 140162, MedGen C0027672, MeSH D009386, MONDO:0015356.

Allele frequency attached by ClinVar (database versions not stated): gnomAD exomes below 0.00001; TOPMed 0.00001.
gnomAD v4.1: 1 of 1,614,122 alleles (0.000062%); highest among the groups gnomAD compares: Non-Finnish European, 0.000085%; no homozygotes.

Submissions (3):

Labcorp Genetics (formerly Invitae), Labcorp
Classification: Uncertain significance. Last evaluated: 2025-11-25. Review status: criteria provided, single submitter. Criteria: Invitae Variant Classification Sherloc (09022015). Collection method: clinical testing. Allele origin: germline.
Comment: This sequence change replaces methionine, which is neutral and non-polar, with isoleucine, which is neutral and non-polar, at codon 2086 of the POLE protein (p.Met2086Ile). This variant is not present in population databases (gnomAD no frequency). This variant has not been reported in the literature in individuals affected with POLE-related conditions. ClinVar contains an entry for this variant (Variation ID: 576443). Invitae Evidence Modeling of protein sequence and biophysical properties (such as structural, functional, and spatial information, amino acid conservation, physicochemical variation, residue mobility, and thermodynamic stability) indicates that this missense variant is not expected to disrupt POLE protein function with a negative predictive value of 80%. In summary, the available evidence is currently insufficient to determine the role of this variant in disease. Therefore, it has been classified as a Variant of Uncertain Significance.

Ambry Genetics
Classification: Likely benign for Hereditary cancer-predisposing syndrome. Last evaluated: 2024-12-23. Review status: criteria provided, single submitter. Criteria: Ambry Variant Classification Scheme 2023. Collection method: clinical testing. Allele origin: germline.

GeneDx
Classification: Uncertain significance. Last evaluated: 2024-12-09. Review status: criteria provided, single submitter. Criteria: GeneDx Variant Classification Process June 2021. Collection method: clinical testing. Allele origin: germline.
Comment: Not observed at significant frequency in large population cohorts (gnomAD); In silico analysis indicates that this missense variant does not alter protein structure/function; Has not been previously published as pathogenic or benign to our knowledge